The following is an entry in ClinVar:

ClinVar aggregate classification (germline): Uncertain significance (1 of 4 stars; one submission).

Conditions:
PLXNA2-related disorder. Also called: PLXNA2-related condition.

Submission:

PreventionGenetics, part of Exact Sciences
Classification: Uncertain significance for PLXNA2-related condition. Last evaluated: 2026-03-19. Review status: criteria provided, single submitter. Criteria: ACMG Guidelines, 2015. Collection method: clinical testing. Allele origin: germline.
Comment: The PLXNA2 c.845G>A variant is predicted to result in the amino acid substitution p.Arg282Gln. To our knowledge, this variant has not been reported in the literature or in a large population database, indicating this variant is rare. At this time, the clinical significance of this variant is uncertain due to the absence of conclusive functional and genetic evidence.

NM_025179.4(PLXNA2):c.845G>A (p.Arg282Gln)

Gene: PLXNA2 (plexin A2; minus strand). Cytogenetic location: 1q32.2.
Variant type: single nucleotide variant.
Coding change: c.845G>A on transcript NM_025179.4 (MANE Select); coding-DNA position 845, G replaced by A.
Protein change: p.Arg282Gln; replaces arginine 282 with glutamine.
Molecular consequence: missense variant.
Genome position (GRCh38, 1-based): chr1:208,217,078, C>T on the plus strand (G>A on the coding strand, the complement: PLXNA2 is on the minus strand). VCF-style: chr1-208217078-C-T. GRCh37 (hg19) VCF-style: chr1-208390423-C-T.
Other names: short protein forms R282Q.
Identifiers: ClinVar variation 3348877 (VCV003348877.2).